The following is an entry in ClinVar:

NM_000095.3(COMP):c.1883G>C (p.Arg628Pro)

Gene: COMP (cartilage oligomeric matrix protein; minus strand). Cytogenetic location: 19p13.11.
Variant type: single nucleotide variant.
Coding change: c.1883G>C on transcript NM_000095.3 (MANE Select); coding-DNA position 1883, G replaced by C.
Protein change: p.Arg628Pro; replaces arginine 628 with proline.
Molecular consequence: missense variant.
Genome position (GRCh38, 1-based): chr19:18,784,927, C>G on the plus strand (G>C on the coding strand, the complement: COMP is on the minus strand). VCF-style: chr19-18784927-C-G. GRCh37 (hg19) VCF-style: chr19-18895737-C-G.
Other names: short protein forms R628P.
Identifiers: ClinVar variation 1049663 (VCV001049663.1), dbSNP rs1387407761, ClinGen allele CA404877884.

ClinVar aggregate classification (germline): Uncertain significance (0 of 4 stars; one submission).

Submission:

Department of Pathology and Laboratory Medicine, Sinai Health System
Classification: Uncertain significance. Review status: no assertion criteria provided. Collection method: clinical testing. Allele origin: unknown. Affected: yes. Study: The Canadian Open Genetics Repository (COGR).
Comment: The COMP p.Arg628Pro variant was not identified in the literature nor was it identified in dbSNP, ClinVar or LOVD 3.0. The variant was also not identified in the following control databases: the 1000 Genomes Project, the NHLBI GO Exome Sequencing Project, the Exome Aggregation Consortium (August 8th 2016), or the Genome Aggregation Database (Feb 27, 2017). The variant was identified in Cosmic (FATHMM prediction: pathogenic; score=0.98). The variant occurs outside of the splicing consensus sequence and in silico or computational prediction software programs (SpliceSiteFinder, MaxEntScan, NNSPLICE, GeneSplicer) do not predict a difference in splicing. The p.Arg628 residue is conserved across mammals and other organisms, and all computational analyses (PolyPhen-2, SIFT, AlignGVGD, BLOSUM, MutationTaster) suggest that the variant may impact the protein; however, this information is not predictive enough to assume pathogenicity. In summary, based on the above information the clinical significance of this variant cannot be determined with certainty at this time. This variant is classified as a variant of uncertain significance.